The following is an entry in ClinVar:

NM_000059.4(BRCA2):c.7878_7881dup (p.Ile2628fs)

Gene: BRCA2 (BRCA2 DNA repair associated; plus strand). Cytogenetic location: 13q13.1.
Variant type: Duplication.
Coding change: c.7878_7881dup on transcript NM_000059.4 (MANE Select); coding-DNA positions 7878 to 7881, 4 bases duplicated (GATC; older notation c.7878_7881dupGATC).
Protein change: p.Ile2628fs; shifts the reading frame from isoleucine 2628.
Molecular consequence: frameshift variant.
Genome position (GRCh38, 1-based): chr13:32,362,595-32,362,598, GATC duplicated. VCF-style (leftmost placement, unchanged base first): chr13-32362594-G-GGATC. GRCh37 (hg19) VCF-style: chr13-32936731-G-GGATC.
Other names: 8109insGATC; short protein forms I2628fs.
Identifiers: ClinVar variation 267040 (VCV000267040.5), dbSNP rs886040733, ClinGen allele CA10589455.

ClinVar aggregate classification (germline): Pathogenic. Review status: reviewed by expert panel (3 of 4 stars). 2 submissions from 2 submitters: Pathogenic (1). 1 of the submissions does not count toward it. Last evaluated 2016-10-18.

Conditions:
Breast-ovarian cancer, familial, susceptibility to, 2 (BROVCA2). Also called: BRCA2 Hereditary Breast and Ovarian Cancer. Identifiers: Orphanet 145, MedGen C2675520, MONDO:0012933, OMIM 612555. Disease mechanism: loss of function.

Submissions (2):

Evidence-based Network for the Interpretation of Germline Mutant Alleles (ENIGMA)
Classification: Pathogenic for Breast-ovarian cancer, familial, susceptibility to, 2. Last evaluated: 2016-10-18. Review status: reviewed by expert panel. Criteria: ENIGMA BRCA1/2 Classification Criteria (2015). Collection method: curation. Allele origin: germline.
Comment: Variant allele predicted to encode a truncated non-functional protein.

Consortium of Investigators of Modifiers of BRCA1/2 (CIMBA), c/o University of Cambridge
Classification: Pathogenic for Breast-ovarian cancer, familial, susceptibility to, 2. Last evaluated: 2015-10-02. Review status: criteria provided, single submitter. Criteria: CIMBA Mutation Classification guidelines May 2016. Collection method: clinical testing. Allele origin: germline. Not counted in ClinVar's aggregate classification.